The following is an entry in ClinVar:

NM_002890.3(RASA1):c.492C>A (p.Tyr164Ter)

Gene: RASA1 (RAS p21 protein activator 1; plus strand). Cytogenetic location: 5q14.3.
Variant type: single nucleotide variant.
Coding change: c.492C>A on transcript NM_002890.3 (MANE Select); coding-DNA position 492, C replaced by A.
Protein change: p.Tyr164Ter; replaces tyrosine 164 with a stop codon.
Molecular consequence: nonsense. On other transcripts: 5 prime UTR variant (1).
Genome position (GRCh38, 1-based): chr5:87,268,943, C>A. VCF-style: chr5-87268943-C-A. GRCh37 (hg19) VCF-style: chr5-86564760-C-A.
Other names: c.-105C>A (NM_022650.3); short protein forms Y164*.
Identifiers: ClinVar variation 957547 (VCV000957547.10), dbSNP rs1753698267, ClinGen allele CA360417499.

ClinVar aggregate classification (germline): Pathogenic (1 of 4 stars; one submission).

Conditions:
Capillary malformation-arteriovenous malformation syndrome. Also called: Capillary malformation-arteriovenous malformation. Identifiers: Orphanet 137667, MedGen C1842180, MONDO:0012016.

Submission:

Labcorp Genetics (formerly Invitae), Labcorp
Classification: Pathogenic for Capillary malformation-arteriovenous malformation syndrome. Last evaluated: 2022-02-22. Review status: criteria provided, single submitter. Criteria: Invitae Variant Classification Sherloc (09022015). Collection method: clinical testing. Allele origin: germline.
Comment: For these reasons, this variant has been classified as Pathogenic. This sequence change creates a premature translational stop signal (p.Tyr164*) in the RASA1 gene. It is expected to result in an absent or disrupted protein product. Loss-of-function variants in RASA1 are known to be pathogenic (PMID: 24038909). This variant is not present in population databases (gnomAD no frequency). This premature translational stop signal has been observed in individual(s) with RASA1-related conditions (PMID: 24038909). ClinVar contains an entry for this variant (Variation ID: 957547).

Literature cited by the submitters: PubMed 24038909.